The following is an entry in ClinVar:

ClinVar aggregate classification (germline): Uncertain significance (1 of 4 stars; one submission).

Conditions:
Baller-Gerold syndrome (BGS). Also called: CRANIOSYNOSTOSIS WITH RADIAL DEFECTS. Identifiers: Orphanet 1225, MedGen C0265308, MONDO:0009039, OMIM 218600.

Allele frequency attached by ClinVar (database versions not stated): TOPMed below 0.00001; gnomAD 0.00001.

Submission:

Labcorp Genetics (formerly Invitae), Labcorp
Classification: Uncertain significance for Baller-Gerold syndrome. Last evaluated: 2025-02-17. Review status: criteria provided, single submitter. Criteria: Invitae Variant Classification Sherloc (09022015). Collection method: clinical testing. Allele origin: germline.
Comment: This sequence change replaces arginine, which is basic and polar, with cysteine, which is neutral and slightly polar, at codon 1071 of the RECQL4 protein (p.Arg1071Cys). The frequency data for this variant in the population databases is considered unreliable, as metrics indicate poor data quality at this position in the gnomAD database. This variant has not been reported in the literature in individuals affected with RECQL4-related conditions. ClinVar contains an entry for this variant (Variation ID: 1505937). Invitae Evidence Modeling of protein sequence and biophysical properties (such as structural, functional, and spatial information, amino acid conservation, physicochemical variation, residue mobility, and thermodynamic stability) indicates that this missense variant is not expected to disrupt RECQL4 protein function with a negative predictive value of 80%. In summary, the available evidence is currently insufficient to determine the role of this variant in disease. Therefore, it has been classified as a Variant of Uncertain Significance.

NM_004260.4(RECQL4):c.3211C>T (p.Arg1071Cys)

Gene: RECQL4 (RecQ like helicase 4; minus strand). Cytogenetic location: 8q24.3.
Variant type: single nucleotide variant.
Coding change: c.3211C>T on transcript NM_004260.4 (MANE Select); coding-DNA position 3211, C replaced by T.
Protein change: p.Arg1071Cys; replaces arginine 1071 with cysteine.
Molecular consequence: missense variant.
Genome position (GRCh38, 1-based): chr8:144,512,169, G>A on the plus strand (C>T on the coding strand, the complement: RECQL4 is on the minus strand). VCF-style: chr8-144512169-G-A. GRCh37 (hg19) VCF-style: chr8-145737552-G-A.
Other names: short protein forms R1071C.
Identifiers: ClinVar variation 1505937 (VCV001505937.6), dbSNP rs767530194, ClinGen allele CA4947885.